The following is an entry in ClinVar:

ClinVar aggregate classification (germline): Uncertain significance (1 of 4 stars; one submission).

Conditions:
Ethylmalonic encephalopathy (EE). Also called: Syndrome of encephalopathy, petechiae, and ethylmalonic aciduria; EPEMA syndrome; Encephalopathy, petechiae, and ethylmalonic aciduria. Identifiers: Orphanet 51188, MedGen C1865349, MONDO:0011229, OMIM 602473. Disease mechanism: loss of function.

Allele frequency attached by ClinVar (database versions not stated): gnomAD exomes below 0.00001 and 0.00001; ExAC 0.00002.
gnomAD v4.1: 2 of 1,613,982 alleles (0.00012%); highest among the groups gnomAD compares: Non-Finnish European, 0.00017%; no homozygotes.

Submission:

Labcorp Genetics (formerly Invitae), Labcorp
Classification: Uncertain significance for Ethylmalonic encephalopathy. Last evaluated: 2022-06-05. Review status: criteria provided, single submitter. Criteria: Invitae Variant Classification Sherloc (09022015). Collection method: clinical testing. Allele origin: germline.
Comment: This sequence change replaces histidine, which is basic and polar, with arginine, which is basic and polar, at codon 79 of the ETHE1 protein (p.His79Arg). This variant is present in population databases (rs778409766, gnomAD 0.002%). This variant has not been reported in the literature in individuals affected with ETHE1-related conditions. ClinVar contains an entry for this variant (Variation ID: 1439120). Advanced modeling of protein sequence and biophysical properties (such as structural, functional, and spatial information, amino acid conservation, physicochemical variation, residue mobility, and thermodynamic stability) performed at Invitae indicates that this missense variant is expected to disrupt ETHE1 protein function. In summary, the available evidence is currently insufficient to determine the role of this variant in disease. Therefore, it has been classified as a Variant of Uncertain Significance.

NM_014297.5(ETHE1):c.236A>G (p.His79Arg)

Gene: ETHE1 (ETHE1 persulfide dioxygenase; minus strand). Cytogenetic location: 19q13.31.
Variant type: single nucleotide variant.
Coding change: c.236A>G on transcript NM_014297.5 (MANE Select); coding-DNA position 236, A replaced by G.
Protein change: p.His79Arg; replaces histidine 79 with arginine.
Molecular consequence: missense variant. On other transcripts: intron variant (3).
Genome position (GRCh38, 1-based): chr19:43,526,340, T>C on the plus strand (A>G on the coding strand, the complement: ETHE1 is on the minus strand). VCF-style: chr19-43526340-T-C. GRCh37 (hg19) VCF-style: chr19-44030492-T-C.
Other names: c.81+757A>G (NM_001320869.2); c.6+175A>G (NM_001320868.2); c.227-24A>G (NM_001320867.2); short protein forms H79R.
Identifiers: ClinVar variation 1439120 (VCV001439120.6), dbSNP rs778409766, ClinGen allele CA9487907.
Genomic context (GRCh38, chr19:43,526,340, plus strand): 5'-TGGCAGCCAGGGAGGAGGGAACGGAGCAGCCCCGAGCCTGTAATGTGGTCCGCGTGGCAG[T>C]GGGTATTCACTGGGAGAGAGAGGAGGGACAGGTCCGGAGGGTACAGAAAGGACCTGGGAG-3'
Protein context (NP_055112.2, residues 69-89): GLRLLYAVNT[His79Arg]CHADHITGSG